The following is an entry in ClinVar:

ClinVar aggregate classification (germline): Uncertain significance (1 of 4 stars; one submission).

Conditions:
Inborn genetic diseases. Identifiers: MedGen C0950123, MeSH D030342.

Submission:

Ambry Genetics
Classification: Uncertain significance for Inborn genetic diseases. Last evaluated: 2025-10-01. Review status: criteria provided, single submitter. Criteria: Ambry Variant Classification Scheme 2023. Collection method: clinical testing. Allele origin: germline.
Comment: The c.1954G>A (p.A652T) alteration is located in exon 12 (coding exon 11) of the CTNNB1 gene. This alteration results from a G to A substitution at nucleotide position 1954, causing the alanine (A) at amino acid position 652 to be replaced by a threonine (T). However, this change occurs in the last base pair of exon 11 (coding exon11), which makes it likely to have some effect on normal mRNA splicing. This variant was not reported in population-based cohorts in the Genome Aggregation Database (gnomAD). This nucleotide position is highly conserved in available vertebrate species, and this amino acid position is highly conserved in available vertebrate species. In silico splice site analysis predicts that this alteration will result in the creation or strengthening of a novel splice donor site. This amino acid alteration is also predicted to be deleterious by in silico analysis. Based on insufficient or conflicting evidence, the clinical significance of this alteration remains unclear.

NM_001904.4(CTNNB1):c.1954G>A (p.Ala652Thr)

Gene: CTNNB1 (catenin beta 1; plus strand). Cytogenetic location: 3p22.1.
Variant type: single nucleotide variant.
Coding change: c.1954G>A on transcript NM_001904.4 (MANE Select); coding-DNA position 1954, G replaced by A.
Protein change: p.Ala652Thr; replaces alanine 652 with threonine.
Molecular consequence: missense variant.
Genome position (GRCh38, 1-based): chr3:41,236,499, G>A. VCF-style: chr3-41236499-G-A. GRCh37 (hg19) VCF-style: chr3-41277990-G-A.
Other names: c.1954G>A, p.Ala652Thr (NM_001098209.2, NM_001098210.2, NM_001438871.1 and 4 more transcripts); c.1933G>A, p.Ala645Thr (NM_001330729.2); short protein forms A645T, A652T.
Identifiers: ClinVar variation 4616683 (VCV004616683.1).